The following is an entry in ClinVar:

NM_006030.4(CACNA2D2):c.2924T>C (p.Phe975Ser)

Genes: CACNA2D2 (calcium voltage-gated channel auxiliary subunit alpha2delta 2; minus strand), LOC101928965 (uncharacterized LOC101928965; plus strand), LOC127898564 (CYB561D2-LOC101928965; plus strand). Cytogenetic location: 3p21.31.
Variant type: single nucleotide variant.
Coding change: c.2924T>C on transcript NM_006030.4 (MANE Select); coding-DNA position 2924, T replaced by C.
Protein change: p.Phe975Ser; replaces phenylalanine 975 with serine.
Molecular consequence: missense variant. On other transcripts: non-coding transcript variant (2).
Genome position (GRCh38, 1-based): chr3:50,365,680, A>G on the plus strand (T>C on the coding strand, the complement: CACNA2D2 is on the minus strand). VCF-style: chr3-50365680-A-G. GRCh37 (hg19) VCF-style: chr3-50403111-A-G.
Other names: c.2924T>C, p.Phe975Ser (NM_001005505.3); c.2945T>C, p.Phe982Ser (NM_001174051.3); c.2717T>C, p.Phe906Ser (NM_001291101.1); short protein forms F982S, F975S, F906S.
Identifiers: ClinVar variation 842046 (VCV000842046.6), dbSNP rs1259402386, ClinGen allele CA352902663.
Genomic context (GRCh38, chr3:50,365,680, plus strand): 5'-AAGCCCTACCTACCTGCTTGGAACCAGCTGTGGTAGATGAGGCCGTAGAGAAGCTGCTGG[A>G]ACAGGGACCTGCAGCGCACGGGGAGCCGAGTGCAGGTGGTCAGCAGAGGACGATGCCATG-3'
Protein context (NP_006021.2, residues 965-985): WWTSAAAWSL[Phe975Ser]QQLLYGLIYH

ClinVar aggregate classification (germline): Uncertain significance (1 of 4 stars; one submission).

Conditions:
Developmental and epileptic encephalopathy. Identifiers: MedGen C5779964, MONDO:0100620.

Allele frequency attached by ClinVar (database versions not stated): gnomAD exomes below 0.00001.
gnomAD v4.1: 3 of 1,587,944 alleles (0.00019%); highest among the groups gnomAD compares: Non-Finnish European, 0.000086%; no homozygotes.

Submission:

Labcorp Genetics (formerly Invitae), Labcorp
Classification: Uncertain significance for Early-infantile DEE. Last evaluated: 2022-07-01. Review status: criteria provided, single submitter. Criteria: Invitae Variant Classification Sherloc (09022015). Collection method: clinical testing. Allele origin: germline.
Comment: In summary, the available evidence is currently insufficient to determine the role of this variant in disease. Therefore, it has been classified as a Variant of Uncertain Significance. Algorithms developed to predict the effect of missense changes on protein structure and function are either unavailable or do not agree on the potential impact of this missense change (SIFT: "Deleterious"; PolyPhen-2: "Benign"; Align-GVGD: "Class C55"). ClinVar contains an entry for this variant (Variation ID: 842046). This variant has not been reported in the literature in individuals affected with CACNA2D2-related conditions. The frequency data for this variant in the population databases is considered unreliable, as metrics indicate poor data quality at this position in the gnomAD database. This sequence change replaces phenylalanine, which is neutral and non-polar, with serine, which is neutral and polar, at codon 975 of the CACNA2D2 protein (p.Phe975Ser).